The following is an entry in ClinVar:

NM_022367.4(SEMA4A):c.2167C>T (p.Arg723Cys)

Gene: SEMA4A (semaphorin 4A; plus strand). Cytogenetic location: 1q22.
Variant type: single nucleotide variant.
Coding change: c.2167C>T on transcript NM_022367.4 (MANE Select); coding-DNA position 2167, C replaced by T.
Protein change: p.Arg723Cys; replaces arginine 723 with cysteine.
Molecular consequence: missense variant.
Genome position (GRCh38, 1-based): chr1:156,176,878, C>T. VCF-style: chr1-156176878-C-T. GRCh37 (hg19) VCF-style: chr1-156146669-C-T.
Other names: c.2167C>T, p.Arg723Cys (NM_001193300.2, NM_001193301.2, NM_001370567.1); c.1771C>T, p.Arg591Cys (NM_001193302.2); c.1870C>T, p.Arg624Cys (NM_001370568.1); c.1660C>T, p.Arg554Cys (NM_001370569.1, NM_001370571.1); short protein forms R723C, R554C, R624C, R591C.
Identifiers: ClinVar variation 292857 (VCV000292857.47), dbSNP rs199933282, ClinGen allele CA1155540.

ClinVar aggregate classification (germline): Benign/Likely benign. Review status: criteria provided, multiple submitters, no conflicts (2 of 4 stars). 9 submissions from 7 submitters: Benign (7); Likely benign (2). Last evaluated 2026-02-01.

Conditions:
Cone-rod dystrophy 10 (CORD10). Identifiers: Orphanet 1872, MedGen C1846529, MONDO:0012464, OMIM 610283.
Retinitis pigmentosa 35 (RP35). Identifiers: Orphanet 791, MedGen C1853214, MONDO:0012463, OMIM 610282.
Retinitis pigmentosa (RP). Identifiers: Orphanet 791, MedGen C0035334, MeSH D012174, MONDO:0019200, OMIM 268000. Inheritance: Autosomal dominant, autosomal recessive and X linked inheritance.
Cone-rod dystrophy. Also called: Cone/cone-rod dystrophy; Cone-rod degeneration. Identifiers: Orphanet 1872, MedGen C4085590, MONDO:0015993, HP:0000548.

Allele frequency attached by ClinVar (database versions not stated): ESP Exome Variant Server 0.00015; TOPMed 0.00022; gnomAD 0.00032; 1000 Genomes Project 30x 0.00796; 1000 Genomes Project 0.00839.
gnomAD v4.1: 4,290 of 1,614,246 alleles (0.27%); highest among the groups gnomAD compares: South Asian, 4.4%; 131 homozygotes.

Submissions (9):

Labcorp Genetics (formerly Invitae), Labcorp
Classification: Benign. Last evaluated: 2026-02-01. Review status: criteria provided, single submitter. Criteria: Invitae Variant Classification Sherloc (09022015). Collection method: clinical testing. Allele origin: germline.

Genome-Nilou Lab
Classification: Likely benign for Cone-rod dystrophy 10. Last evaluated: 2023-04-11. Review status: criteria provided, single submitter. Criteria: ACMG Guidelines, 2015. Collection method: clinical testing. Allele origin: germline. Affected: no.

Genome-Nilou Lab
Classification: Likely benign for Retinitis pigmentosa 35. Last evaluated: 2023-04-11. Review status: criteria provided, single submitter. Criteria: ACMG Guidelines, 2015. Collection method: clinical testing. Allele origin: germline. Affected: no.

CeGaT Center for Human Genetics Tuebingen
Classification: Benign. Last evaluated: 2022-09-01. Review status: criteria provided, single submitter. Criteria: CeGaT Center For Human Genetics Tuebingen Variant Classification Criteria Version 2. Collection method: clinical testing. Allele origin: germline. Affected: yes. Observed: 1 variant allele.
Comment: SEMA4A: BP4, BS1, BS2

Fulgent Genetics
Classification: Benign for Retinitis pigmentosa 35; Cone-rod dystrophy 10. Last evaluated: 2021-08-09. Review status: criteria provided, single submitter. Criteria: ACMG Guidelines, 2015. Collection method: clinical testing. Allele origin: unknown.

Cambridge Genomics Laboratory, East Genomic Laboratory Hub, NHS Genomic Medicine Service
Classification: Benign for Cone-rod dystrophy. Last evaluated: 2020-04-21. Review status: criteria provided, single submitter. Criteria: ACGS Best Practice Guidelines for Variant Classification in Rare Disease 2020. Collection method: clinical testing. Allele origin: germline. Affected: yes. Observed: 1 variant allele.

Illumina Laboratory Services, Illumina
Classification: Benign for Cone-rod dystrophy 10. Last evaluated: 2018-01-12. Review status: criteria provided, single submitter. Criteria: ICSL Variant Classification Criteria 13 December 2019. Collection method: clinical testing. Allele origin: germline.
Comment: This variant was observed in the ICSL laboratory as part of a predisposition screen in an ostensibly healthy population. It had not been previously curated by ICSL or reported in the Human Gene Mutation Database (HGMD: prior to June 1st, 2018), and was therefore a candidate for classification through an automated scoring system. Utilizing variant allele frequency, disease prevalence and penetrance estimates, and inheritance mode, an automated score was calculated to assess if this variant is too frequent to cause the disease. Based on the score and internal cut-off values, a variant classified as benign is not then subjected to further curation. The score for this variant resulted in a classification of benign for this disease.

Illumina Laboratory Services, Illumina
Classification: Benign for Retinitis pigmentosa. Last evaluated: 2018-01-12. Review status: criteria provided, single submitter. Criteria: ICSL Variant Classification Criteria 13 December 2019. Collection method: clinical testing. Allele origin: germline.
Comment: the same text as in the submission from Illumina Laboratory Services, Illumina above.

Eurofins Ntd Llc (ga)
Classification: Benign. Last evaluated: 2017-03-21. Review status: criteria provided, single submitter. Criteria: EGL Classification Definitions 2015. Collection method: clinical testing. Allele origin: germline. Observed: 1 variant allele, 1 heterozygote.